The following is an entry in ClinVar:

ClinVar aggregate classification (germline): Uncertain significance (1 of 4 stars; one submission).

Conditions:
Infantile-onset X-linked spinal muscular atrophy. Also called: AMC, DISTAL, X-LINKED; ARTHROGRYPOSIS, X-LINKED, TYPE I; SPINAL MUSCULAR ATROPHY, X-LINKED LETHAL INFANTILE; Spinal Muscular Atrophy, X-Linked Infantile; Spinal muscular atrophy, X-linked 2. Identifiers: Orphanet 1145, MedGen C1844934, MONDO:0010532, OMIM 301830.

Submission:

Labcorp Genetics (formerly Invitae), Labcorp
Classification: Uncertain significance for Infantile-onset X-linked spinal muscular atrophy. Last evaluated: 2024-07-09. Review status: criteria provided, single submitter. Criteria: Invitae Variant Classification Sherloc (09022015). Collection method: clinical testing. Allele origin: germline.
Comment: This sequence change replaces arginine, which is basic and polar, with glutamine, which is neutral and polar, at codon 239 of the UBA1 protein (p.Arg239Gln). This variant is not present in population databases (gnomAD no frequency). This variant has not been reported in the literature in individuals affected with UBA1-related conditions. An algorithm developed to predict the effect of missense changes on protein structure and function (PolyPhen-2) suggests that this variant is likely to be tolerated. In summary, the available evidence is currently insufficient to determine the role of this variant in disease. Therefore, it has been classified as a Variant of Uncertain Significance.

NM_003334.4(UBA1):c.716G>A (p.Arg239Gln)

Gene: UBA1 (ubiquitin like modifier activating enzyme 1; plus strand). Cytogenetic location: Xp11.3.
Variant type: single nucleotide variant.
Coding change: c.716G>A on transcript NM_003334.4 (MANE Select); coding-DNA position 716, G replaced by A.
Protein change: p.Arg239Gln; replaces arginine 239 with glutamine.
Molecular consequence: missense variant.
Genome position (GRCh38, 1-based): chrX:47,201,515, G>A. VCF-style: chrX-47201515-G-A. GRCh37 (hg19) VCF-style: chrX-47060914-G-A.
Other names: c.716G>A, p.Arg239Gln (NM_153280.3); short protein forms R239Q.
Identifiers: ClinVar variation 3686382 (VCV003686382.2).
Genomic context (GRCh38, chrX:47,201,515, plus strand): 5'-AGACTCACTCTTCCTTTAACCAGGACAACCCCGGTGTGGTTACCTGCCTGGATGAGGCCC[G>A]ACACGGGTTTGAGAGCGGGGACTTTGTCTCCTTTTCAGAAGTACAGGGCATGGTTGAACT-3'
Protein context (NP_003325.2, residues 229-249): PGVVTCLDEA[Arg239Gln]HGFESGDFVS